The following is an entry in ClinVar:

ClinVar aggregate classification (germline): Uncertain significance. Review status: criteria provided, multiple submitters, no conflicts (2 of 4 stars). 2 submissions from 2 submitters: Uncertain significance (2). Last evaluated 2025-06-03.

Conditions:
Developmental and epileptic encephalopathy, 25 (DEE25). Also called: Developmental and epileptic encephalopathy 25, with amelogenesis imperfecta; Epileptic encephalopathy, early infantile, 25, with amelogenesis imperfecta; Epileptic encephalopathy, early infantile, 25. Identifiers: Orphanet 442835, MedGen C4014621, MONDO:0014392, OMIM 615905.

gnomAD v4.1: 51 of 1,612,346 alleles (0.0032%); highest among the groups gnomAD compares: African/African-American, 0.004%; no homozygotes.

Submissions (2):

Labcorp Genetics (formerly Invitae), Labcorp
Classification: Uncertain significance for Developmental and epileptic encephalopathy, 25. Last evaluated: 2025-06-03. Review status: criteria provided, single submitter. Criteria: Invitae Variant Classification Sherloc (09022015). Collection method: clinical testing. Allele origin: germline.
Comment: This sequence change replaces glycine, which is neutral and non-polar, with arginine, which is basic and polar, at codon 434 of the SLC13A5 protein (p.Gly434Arg). This variant is present in population databases (no rsID available, gnomAD 0.0009%). This variant has not been reported in the literature in individuals affected with SLC13A5-related conditions. ClinVar contains an entry for this variant (Variation ID: 1195595). Invitae Evidence Modeling of protein sequence and biophysical properties (such as structural, functional, and spatial information, amino acid conservation, physicochemical variation, residue mobility, and thermodynamic stability) indicates that this missense variant is expected to disrupt SLC13A5 protein function with a positive predictive value of 80%. In summary, the available evidence is currently insufficient to determine the role of this variant in disease. Therefore, it has been classified as a Variant of Uncertain Significance.

GeneDx
Classification: Uncertain significance. Last evaluated: 2020-06-11. Review status: criteria provided, single submitter. Criteria: GeneDx Variant Classification Process June 2021. Collection method: clinical testing. Allele origin: germline. Affected: yes.
Comment: Not observed at a significant frequency in large population cohorts (Lek et al., 2016); In silico analysis supports that this missense variant has a deleterious effect on protein structure/function; Has not been previously published as pathogenic or benign to our knowledge

NM_177550.5(SLC13A5):c.1300G>A (p.Gly434Arg)

Gene: SLC13A5 (solute carrier family 13 member 5; minus strand). Cytogenetic location: 17p13.1.
Variant type: single nucleotide variant.
Coding change: c.1300G>A on transcript NM_177550.5 (MANE Select); coding-DNA position 1300, G replaced by A.
Protein change: p.Gly434Arg; replaces glycine 434 with arginine.
Molecular consequence: missense variant.
Genome position (GRCh38, 1-based): chr17:6,690,916, C>T on the plus strand (G>A on the coding strand, the complement: SLC13A5 is on the minus strand). VCF-style: chr17-6690916-C-T. GRCh37 (hg19) VCF-style: chr17-6594235-C-T.
Other names: c.1300G>A, p.Gly434Arg (NM_001143838.3); c.1249G>A, p.Gly417Arg (NM_001284509.2); c.1171G>A, p.Gly391Arg (NM_001284510.2); short protein forms G391R, G417R, G434R.
Identifiers: ClinVar variation 1195595 (VCV001195595.5), dbSNP rs759705304, ClinGen allele CA287383823.